The following is an entry in ClinVar:

ClinVar aggregate classification (germline): Uncertain significance. Review status: criteria provided, multiple submitters, no conflicts (2 of 4 stars). 2 submissions from 2 submitters: Uncertain significance (2). Last evaluated 2026-01-28.

Conditions:
Hereditary cancer-predisposing syndrome. Also called: Hereditary neoplastic syndrome; Neoplastic Syndromes, Hereditary; Tumor predisposition; Hereditary Cancer Syndrome. Identifiers: Orphanet 140162, MedGen C0027672, MeSH D009386, MONDO:0015356.
Ataxia-telangiectasia syndrome (AT). Also called: Ataxia telangiectasia (A-T); LOUIS-BAR SYNDROME; Cerebello-oculocutaneous telangiectasia; Immunodeficiency with ataxia telangiectasia; Ataxia-telangiectasia, complementation group D; AT, COMPLEMENTATION GROUP C. Identifiers: Orphanet 100, MedGen C0004135, MONDO:0008840, OMIM 208900.

Submissions (2):

Labcorp Genetics (formerly Invitae), Labcorp
Classification: Uncertain significance for Ataxia-telangiectasia syndrome. Last evaluated: 2026-01-28. Review status: criteria provided, single submitter. Criteria: Invitae Variant Classification Sherloc (09022015). Collection method: clinical testing. Allele origin: germline.
Comment: This sequence change replaces lysine, which is basic and polar, with glutamine, which is neutral and polar, at codon 2465 of the ATM protein (p.Lys2465Gln). This variant is not present in population databases (gnomAD no frequency). This variant has not been reported in the literature in individuals affected with ATM-related conditions. ClinVar contains an entry for this variant (Variation ID: 1758671). Invitae Evidence Modeling of protein sequence and biophysical properties (such as structural, functional, and spatial information, amino acid conservation, physicochemical variation, residue mobility, and thermodynamic stability) indicates that this missense variant is not expected to disrupt ATM protein function with a negative predictive value of 95%. In summary, the available evidence is currently insufficient to determine the role of this variant in disease. Therefore, it has been classified as a Variant of Uncertain Significance.

Ambry Genetics
Classification: Uncertain significance for Hereditary cancer-predisposing syndrome. Last evaluated: 2021-04-02. Review status: criteria provided, single submitter. Criteria: Ambry Variant Classification Scheme 2023. Collection method: clinical testing. Allele origin: germline.
Comment: The p.K2465Q variant (also known as c.7393A>C), located in coding exon 49 of the ATM gene, results from an A to C substitution at nucleotide position 7393. The lysine at codon 2465 is replaced by glutamine, an amino acid with similar properties. This amino acid position is highly conserved in available vertebrate species. In addition, the in silico prediction for this alteration is inconclusive. Since supporting evidence is limited at this time, the clinical significance of this alteration remains unclear.

NM_000051.4(ATM):c.7393A>C (p.Lys2465Gln)

Genes: ATM (ATM serine/threonine kinase; plus strand), C11orf65 (chromosome 11 open reading frame 65; minus strand). Cytogenetic location: 11q22.3.
Variant type: single nucleotide variant.
Coding change: c.7393A>C on transcript NM_000051.4 (MANE Select); coding-DNA position 7393, A replaced by C.
Protein change: p.Lys2465Gln; replaces lysine 2465 with glutamine.
Molecular consequence: missense variant. On other transcripts: intron variant (2).
Genome position (GRCh38, 1-based): chr11:108,330,299, A>C. VCF-style: chr11-108330299-A-C. GRCh37 (hg19) VCF-style: chr11-108201026-A-C.
Other names: c.7393A>C, p.Lys2465Gln (NM_001351834.2); c.641-21228T>G (NM_001330368.2); c.*38+4921T>G (NM_001351110.2); short protein forms K2465Q.
Identifiers: ClinVar variation 1758671 (VCV001758671.2), dbSNP rs2547262182, ClinGen allele CA382560070.